The following is an entry in ClinVar:

NM_001110556.2(FLNA):c.6581del (p.Glu2194fs)

Gene: FLNA (filamin A; minus strand). Cytogenetic location: Xq28.
Variant type: Deletion.
Coding change: c.6581del on transcript NM_001110556.2 (MANE Select); coding-DNA position 6581, one base deleted (A; older notation c.6581delA).
Protein change: p.Glu2194fs; shifts the reading frame from glutamic acid 2194.
Molecular consequence: frameshift variant.
Genome position (GRCh38, 1-based): chrX:154,352,369, T deleted on the plus strand (A on the coding strand, the reverse complement: FLNA is on the minus strand). VCF-style (leftmost placement, unchanged base first): chrX-154352368-CT-C. GRCh37 (hg19) VCF-style: chrX-153580736-CT-C.
Other names: c.6557del, p.Glu2186fs (NM_001456.4); short protein forms E2186fs, E2194fs.
Identifiers: ClinVar variation 3759406 (VCV003759406.2).

ClinVar aggregate classification (germline): Pathogenic (1 of 4 stars; one submission).

Conditions:
Melnick-Needles syndrome (MNS). Also called: MELNICK-NEEDLES OSTEODYSPLASTY; OSTEODYSPLASTY OF MELNICK AND NEEDLES; Melnick-Needles Syndrome (FLNA-MNS). Identifiers: Orphanet 2484, MedGen C0025237, MONDO:0010650, OMIM 309350.
Frontometaphyseal dysplasia (FMD1). Identifiers: Orphanet 1826, MedGen C0265293, MONDO:0015942.
Heterotopia, periventricular, X-linked dominant (PVNH1). Also called: PERIVENTRICULAR NODULAR HETEROTOPIA 1; X-linked periventricular heterotopia; PERIVENTRICULAR NODULAR HETEROTOPIA 4; HETEROTOPIA, PERIVENTRICULAR, 1. Identifiers: Orphanet 2149, Orphanet 82004, MedGen C1848213, MONDO:0010233, OMIM 300049.
Oto-palato-digital syndrome, type II (OPD2). Also called: FACIOPALATOOSSEOUS SYNDROME; OPD II SYNDROME; Otopalatodigital Syndrome, Type II; Otopalatodigital Syndrome Type 2 (FLNA-OPD2). Identifiers: Orphanet 669, Orphanet 90652, MedGen C1844696, MONDO:0010571, OMIM 304120.

Submission:

Labcorp Genetics (formerly Invitae), Labcorp
Classification: Pathogenic for Oto-palato-digital syndrome, type II; Heterotopia, periventricular, X-linked dominant; Frontometaphyseal dysplasia; Melnick-Needles syndrome. Last evaluated: 2024-11-05. Review status: criteria provided, single submitter. Criteria: Invitae Variant Classification Sherloc (09022015). Collection method: clinical testing. Allele origin: germline.
Comment: This sequence change creates a premature translational stop signal (p.Glu2186Glyfs*21) in the FLNA gene. It is expected to result in an absent or disrupted protein product. Loss-of-function variants in FLNA are known to be pathogenic (PMID: 16684786, 20730588, 26471271). This variant is not present in population databases (gnomAD no frequency). This variant has not been reported in the literature in individuals affected with FLNA-related conditions. For these reasons, this variant has been classified as Pathogenic.

Literature cited by the submitters: PubMed 16684786; PubMed 20730588; PubMed 26471271.